The following is an entry in ClinVar:

NM_014112.5(TRPS1):c.2794G>A (p.Ala932Thr)

Gene: TRPS1 (transcriptional repressor GATA binding 1; minus strand). Cytogenetic location: 8q23.3.
Variant type: single nucleotide variant.
Coding change: c.2794G>A on transcript NM_014112.5 (MANE Select); coding-DNA position 2794, G replaced by A.
Protein change: p.Ala932Thr; replaces alanine 932 with threonine.
Molecular consequence: missense variant.
Genome position (GRCh38, 1-based): chr8:115,418,359, C>T on the plus strand (G>A on the coding strand, the complement: TRPS1 is on the minus strand). VCF-style: chr8-115418359-C-T. GRCh37 (hg19) VCF-style: chr8-116430587-C-T.
Other names: c.2767G>A, p.Ala923Thr (NM_001282902.3); c.2773G>A, p.Ala925Thr (NM_001282903.3); c.2755G>A, p.Ala919Thr (NM_001330599.2); short protein forms A932T, A923T, A919T, A925T.
Identifiers: ClinVar variation 374202 (VCV000374202.15), dbSNP rs1057518972, ClinGen allele CA16043431.

ClinVar aggregate classification (germline): Pathogenic/Likely pathogenic. Review status: criteria provided, multiple submitters, no conflicts (2 of 4 stars). 4 submissions from 4 submitters: Pathogenic (2); Likely pathogenic (1). 1 of the submissions does not count toward it. Last evaluated 2025-08-11.

Conditions:
Brachydactyly. Also called: Brachydactyly syndrome; Brachydactyly (disease). Identifiers: MedGen C0221357, MONDO:0021004, HP:0001156.
Alopecia areata. Identifiers: MedGen C0002171, MONDO:0005340, HP:0002229.
Pear-shaped nose. Identifiers: MedGen C1853482, HP:0000447.
Proportionate short stature. Identifiers: MedGen C0878660, HP:0003508.
Trichorhinophalangeal syndrome, type III (TRPS3). Also called: SUGIO-KAJII SYNDROME. Identifiers: Orphanet 77258, MedGen C1860823, OMIM 190351, MONDO:0008597.
Trichorhinophalangeal dysplasia type I (TRPS1). Also called: TRPS I; TRICHORHINOPHALANGEAL SYNDROME, TYPE I. Identifiers: Orphanet 77258, MedGen C0432233, MONDO:0008596, OMIM 190350.
TRPS1-related disorder. Also called: TRPS1-related condition.

Submissions (4):

Labcorp Genetics (formerly Invitae), Labcorp
Classification: Pathogenic for Trichorhinophalangeal syndrome, type III; Trichorhinophalangeal dysplasia type I. Last evaluated: 2025-08-11. Review status: criteria provided, single submitter. Criteria: Invitae Variant Classification Sherloc (09022015). Collection method: clinical testing. Allele origin: germline.
Comment: This sequence change replaces alanine, which is neutral and non-polar, with threonine, which is neutral and polar, at codon 932 of the TRPS1 protein (p.Ala932Thr). This variant is not present in population databases (gnomAD no frequency). This missense change has been observed in individual(s) with Tricho-Rhino-Phalangeal Syndrome (PMID: 11112658, 30541476). In at least one individual the variant was observed to be de novo. It has also been observed to segregate with disease in related individuals. This variant is also known as c.2755G>A (p.Ala919Thr). ClinVar contains an entry for this variant (Variation ID: 374202). Invitae Evidence Modeling of protein sequence and biophysical properties (such as structural, functional, and spatial information, amino acid conservation, physicochemical variation, residue mobility, and thermodynamic stability) has been performed for this missense variant. However, the output from this modeling did not meet the statistical confidence thresholds required to predict the impact of this variant on TRPS1 protein function. This variant disrupts the p.Ala932 amino acid residue in TRPS1. Other variant(s) that disrupt this residue have been observed in individuals with TRPS1-related conditions (PMID: 18946009, 24502542, 28468609), which suggests that this may be a clinically significant amino acid residue. For these reasons, this variant has been classified as Pathogenic.

Blueprint Genetics
Classification: Pathogenic for TRPS1-related disorders. Last evaluated: 2021-06-02. Review status: criteria provided, single submitter. Criteria: ACMG Guidelines, 2015. Collection method: clinical testing. Allele origin: germline. Affected: yes. Observed: 2 variant alleles.

Centre for Mendelian Genomics, University Medical Centre Ljubljana
Classification: Likely pathogenic for Brachydactyly; Pear-shaped nose; Proportionate short stature. Last evaluated: 2014-02-17. Review status: criteria provided, single submitter. Criteria: ACMG Guidelines, 2015. Collection method: clinical testing. Allele origin: unknown. Affected: yes.

GeneReviews
No classification provided. Condition: Trichorhinophalangeal dysplasia type I. Review status: no classification provided. Collection method: literature only. Allele origin: germline. Not counted in ClinVar's aggregate classification.

Literature cited by the submitters: PubMed 11112658 (cited by Labcorp Genetics (formerly Invitae), Labcorp); PubMed 30541476 (cited by Labcorp Genetics (formerly Invitae), Labcorp); PubMed 18946009 (cited by Labcorp Genetics (formerly Invitae), Labcorp); PubMed 24502542 (cited by Labcorp Genetics (formerly Invitae), Labcorp); PubMed 28468609 (cited by Labcorp Genetics (formerly Invitae), Labcorp); PubMed 25792522 (cited by GeneReviews); NCBI Bookshelf NBK425926 (cited by GeneReviews).